The following is an entry in ClinVar:

ClinVar aggregate classification (germline): Uncertain significance (1 of 4 stars; one submission).

Allele frequency attached by ClinVar (database versions not stated): ESP Exome Variant Server 0.00008; ExAC 0.00014; gnomAD exomes 0.00015; gnomAD 0.00016; TOPMed 0.00031; 1000 Genomes Project 30x 0.00047; 1000 Genomes Project 0.00060.
gnomAD v4.1: 252 of 1,605,708 alleles (0.016%); highest among the groups gnomAD compares: Middle Eastern, 0.26%; no homozygotes.

Submission:

CeGaT Center for Human Genetics Tuebingen
Classification: Uncertain significance. Last evaluated: 2023-01-01. Review status: criteria provided, single submitter. Criteria: CeGaT Center For Human Genetics Tuebingen Variant Classification Criteria Version 2. Collection method: clinical testing. Allele origin: germline. Affected: yes. Observed: 1 variant allele.
Comment: TTC21A: PM2, BP4

NM_001366900.1(TTC21A):c.2135+3A>G

Gene: TTC21A (tetratricopeptide repeat domain 21A; plus strand). Cytogenetic location: 3p22.2.
Variant type: single nucleotide variant.
Coding change: c.2135+3A>G on transcript NM_001366900.1 (MANE Select); 3 bases into the intron after coding-DNA position 2135, A replaced by G.
Molecular consequence: intron variant.
Genome position (GRCh38, 1-based): chr3:39,129,313, A>G. VCF-style: chr3-39129313-A-G. GRCh37 (hg19) VCF-style: chr3-39170804-A-G.
Other names: c.2159+3A>G (NM_001366899.1); c.2156+3A>G (NM_145755.3); c.2012+3A>G (NM_001105513.3).
Identifiers: ClinVar variation 2498927 (VCV002498927.28), dbSNP rs146777933, ClinGen allele CA2324580.
Genomic context (GRCh38, chr3:39,129,313, plus strand): 5'-TGGCCAACATCTACCTGCAGACCCTCAGAGACAGGCGCCTCTACATCAGATGCTACCGGT[A>G]AGCCCCACAGGCAGCACAATGACAGCTTCTTCTCCAATGGTATCTTAGGGAGTGTTTCCT-3'